The following is an entry in ClinVar:

NM_016148.5(SHANK1):c.5768G>A (p.Arg1923Lys)

Gene: SHANK1 (SH3 and multiple ankyrin repeat domains 1; minus strand). Cytogenetic location: 19q13.33.
Variant type: single nucleotide variant.
Coding change: c.5768G>A on transcript NM_016148.5 (MANE Select); coding-DNA position 5768, G replaced by A.
Protein change: p.Arg1923Lys; replaces arginine 1923 with lysine.
Molecular consequence: missense variant.
Genome position (GRCh38, 1-based): chr19:50,666,192, C>T on the plus strand (G>A on the coding strand, the complement: SHANK1 is on the minus strand). VCF-style: chr19-50666192-C-T. GRCh37 (hg19) VCF-style: chr19-51169449-C-T.
Other names: short protein forms R1923K.
Identifiers: ClinVar variation 1691647 (VCV001691647.3), dbSNP rs2123070912, ClinGen allele CA407003564.

ClinVar aggregate classification (germline): Uncertain significance (1 of 4 stars; one submission).

gnomAD v4.1: 1 of 1,589,202 alleles (0.000063%); highest among the groups gnomAD compares: Admixed American, 0.0017%; no homozygotes.

Submission:

GeneDx
Classification: Uncertain significance. Last evaluated: 2022-06-09. Review status: criteria provided, single submitter. Criteria: GeneDx Variant Classification Process June 2021. Collection method: clinical testing. Allele origin: germline. Affected: yes.
Comment: Has not been previously published as pathogenic or benign to our knowledge; Not observed at significant frequency in large population cohorts (gnomAD); At the protein level, in silico analysis supports that this missense variant does not alter protein structure/function; At the mRNA level, in-silico analysis is inconclusive as to whether the variant alters gene splicing. In the absence of RNA/functional studies, the actual effect of this sequence change is unknown.